The following is an entry in ClinVar:

ClinVar aggregate classification (germline): Benign (0 of 4 stars; one submission).

Conditions:
KCTD18-related disorder. Also called: KCTD18-related condition.

Allele frequency attached by ClinVar (database versions not stated): ExAC 0.00087; gnomAD 0.00269; TOPMed 0.00294; 1000 Genomes Project 0.00339; ESP Exome Variant Server 0.00354; 1000 Genomes Project 30x 0.00375.

Submission:

PreventionGenetics, part of Exact Sciences
Classification: Benign for KCTD18-related condition. Last evaluated: 2019-07-10. Review status: no assertion criteria provided. Collection method: clinical testing. Allele origin: germline.
Comment: This variant is classified as benign based on ACMG/AMP sequence variant interpretation guidelines (Richards et al. 2015 PMID: 25741868, with internal and published modifications).

NM_152387.4(KCTD18):c.25G>A (p.Glu9Lys)

Gene: KCTD18 (potassium channel tetramerization domain containing 18; minus strand). Cytogenetic location: 2q33.1.
Variant type: single nucleotide variant.
Coding change: c.25G>A on transcript NM_152387.4 (MANE Select); coding-DNA position 25, G replaced by A.
Protein change: p.Glu9Lys; replaces glutamic acid 9 with lysine.
Molecular consequence: missense variant. On other transcripts: 5 prime UTR variant (2).
Genome position (GRCh38, 1-based): chr2:200,506,992, C>T on the plus strand (G>A on the coding strand, the complement: KCTD18 is on the minus strand). VCF-style: chr2-200506992-C-T. GRCh37 (hg19) VCF-style: chr2-201371715-C-T.
Other names: c.25G>A, p.Glu9Lys (NM_001321547.2); c.-581G>A (NM_001321548.2, NM_001321550.2); short protein forms E9K.
Identifiers: ClinVar variation 3038558 (VCV003038558.2), dbSNP rs116397561, ClinGen allele CA2047823.